The following is an entry in ClinVar:

ClinVar aggregate classification (germline): Pathogenic (1 of 4 stars; one submission).

Conditions:
Ciliary dyskinesia, primary, 36, X-linked (CILD36). Also called: CILIARY DYSKINESIA, PRIMARY, 36, WITH OR WITHOUT SITUS INVERSUS. Identifiers: MedGen C4478372, MONDO:0010517, OMIM 300991.

Submission:

Institute of Reproductive and Stem Cell Engineering, Central South University
Classification: Pathogenic for Ciliary dyskinesia, primary, 36, X-linked. Last evaluated: 2020-03-13. Review status: criteria provided, single submitter. Criteria: Wang et al. (J Assist Reprod Genet. 2020). Collection method: research. Allele origin: germline. Inheritance: X-linked recessive inheritance. Affected: yes. Observed: 2 variant alleles, 2 hemizygotes. Clinical features observed: primary ciliary dyskinesia and male infertility.
Comment: We identified one novel hemizygous frameshift variant (NM_173494, c.319_329del: p.R107fs) of DNAAF6 gene (previously named PIH1D3) in family 1 and one novel hemizygous missense variant (c.290G>T: p.G97V) in family 2. No hemizygous deleterious variants in DNAAF6 were detected in the control cohort of 442 individuals. Ultrastructural and immunostaining analyses of patients' spermatozoa showed the absence of outer and inner dynein arms in sperm flagella. Both variants were proven to lead to DNAAF6 protein degradation in HEK293T cells. Both patients carrying DNAAF6 variants underwent one ICSI cycle and delivered one healthy child each.

NM_173494.2(DNAAF6):c.322_332del (p.Glu108Valfs)

Gene: DNAAF6 (dynein axonemal assembly factor 6; plus strand). Cytogenetic location: Xq22.3.
Variant type: Deletion.
Coding change: c.322_332del on transcript NM_173494.2 (MANE Select); coding-DNA positions 322 to 332, 11 bases deleted (AAATCCCAGAG).
Protein change: p.Glu108Valfs; shifts the reading frame from glutamic acid 108.
Molecular consequence: splice donor variant.
Genome position (GRCh38, 1-based): chrX:107,218,960-107,218,970, AAATCCCAGAG deleted; deleting any 11 consecutive bases within chrX:107,218,956-107,218,970 gives the same sequence; the c. name uses the placement nearest the transcript's 3' end. VCF-style (leftmost placement, unchanged base first): chrX-107218955-TAGAGAAATCCC-T. GRCh37 (hg19) VCF-style: chrX-106462185-TAGAGAAATCCC-T.
Other names: c.319_329del (NM_173494.2); c.323_332+1del (NM_001169154.2, NM_173494.2).
Identifiers: ClinVar variation 870123 (VCV000870123.4), dbSNP rs1928059485, ClinGen allele CA916084337.